The following is an entry in ClinVar:

NM_000075.4(CDK4):c.48C>T (p.Ala16=)

Gene: CDK4 (cyclin dependent kinase 4; minus strand). Cytogenetic location: 12q14.1.
Variant type: single nucleotide variant.
Coding change: c.48C>T on transcript NM_000075.4 (MANE Select); coding-DNA position 48, C replaced by T.
Protein change: p.Ala16=; no amino-acid change (alanine 16 retained).
Molecular consequence: synonymous variant.
Genome position (GRCh38, 1-based): chr12:57,751,670, G>A on the plus strand (C>T on the coding strand, the complement: CDK4 is on the minus strand). VCF-style: chr12-57751670-G-A. GRCh37 (hg19) VCF-style: chr12-58145453-G-A.
Other names: c.48C>T (NM_000075.3).
Identifiers: ClinVar variation 2194401 (VCV002194401.7), dbSNP rs1311074831, ClinGen allele CA480404927.

ClinVar aggregate classification (germline): Benign/Likely benign. Review status: criteria provided, multiple submitters, no conflicts (2 of 4 stars). 4 submissions from 4 submitters: Benign (1); Likely benign (3). Last evaluated 2026-08-23.

Conditions:
Familial melanoma. Also called: Hereditary melanoma; Hereditary cutaneous melanoma. Identifiers: Orphanet 618, MedGen C1512419, MONDO:0018961.
Melanoma, cutaneous malignant, susceptibility to, 3. Also called: Cutaneous malignant melanoma 3. Identifiers: Orphanet 618, MedGen C1836892, MONDO:0012183, OMIM 609048.
Hereditary cancer-predisposing syndrome. Also called: Tumor predisposition; Hereditary Cancer Syndrome; Hereditary neoplastic syndrome; Neoplastic Syndromes, Hereditary. Identifiers: Orphanet 140162, MedGen C0027672, MeSH D009386, MONDO:0015356.

Submissions (4):

Ambry Genetics
Classification: Likely benign for Hereditary cancer-predisposing syndrome. Last evaluated: 2026-08-23. Review status: criteria provided, single submitter. Criteria: Ambry Variant Classification Scheme 2023. Collection method: clinical testing. Allele origin: germline.

Center for Genomic Medicine, Rigshospitalet, Copenhagen University Hospital
Classification: Likely benign. Last evaluated: 2025-03-04. Review status: criteria provided, single submitter. Criteria: ACMG Guidelines, 2015. Collection method: clinical testing. Allele origin: germline.

Labcorp Genetics (formerly Invitae), Labcorp
Classification: Likely benign for Familial melanoma. Last evaluated: 2024-12-31. Review status: criteria provided, single submitter. Criteria: Invitae Variant Classification Sherloc (09022015). Collection method: clinical testing. Allele origin: germline.

Myriad Genetics, Inc.
Classification: Benign for Melanoma, cutaneous malignant, susceptibility to, 3. Last evaluated: 2024-09-24. Review status: criteria provided, single submitter. Criteria: Myriad Autosomal Dominant, Autosomal Recessive and X-Linked Classification Criteria (2023). Collection method: clinical testing. Allele origin: unknown.
Comment: This variant is considered benign. This variant is a silent/synonymous amino acid change and it is not expected to impact splicing.